The following is an entry in ClinVar:

ClinVar aggregate classification (germline): Uncertain significance (1 of 4 stars; one submission).

Conditions:
Mosaic variegated aneuploidy syndrome 1 (MVA1). Also called: Warburton-Anyane-Yeboa syndrome. Identifiers: Orphanet 1052, MedGen C1850343, MONDO:0009759, OMIM 257300.

Allele frequency attached by ClinVar (database versions not stated): gnomAD 0.00001; gnomAD exomes 0.00001; TOPMed 0.00001; ExAC 0.00002; 1000 Genomes Project 30x 0.00031; 1000 Genomes Project 0.00040.
gnomAD v4.1: 15 of 1,607,764 alleles (0.00093%); highest among the groups gnomAD compares: South Asian, 0.011%; no homozygotes.

Submission:

Labcorp Genetics (formerly Invitae), Labcorp
Classification: Uncertain significance for Mosaic variegated aneuploidy syndrome 1. Last evaluated: 2020-02-26. Review status: criteria provided, single submitter. Criteria: Invitae Variant Classification Sherloc (09022015). Collection method: clinical testing. Allele origin: germline.
Comment: This sequence change falls in intron 16 of the BUB1B gene. It does not directly change the encoded amino acid sequence of the BUB1B protein, but it affects a nucleotide within the consensus splice site of the intron. This variant is present in population databases (rs543227658, ExAC 0.01%). This variant has not been reported in the literature in individuals with BUB1B-related conditions. Nucleotide substitutions within the consensus splice site are a relatively common cause of aberrant splicing (PMID: 17576681, 9536098). Algorithms developed to predict the effect of sequence changes on RNA splicing suggest that this variant may disrupt the consensus splice site, but this prediction has not been confirmed by published transcriptional studies. In summary, the available evidence is currently insufficient to determine the role of this variant in disease. Therefore, it has been classified as a Variant of Uncertain Significance.

Literature cited by the submitters: PubMed 17576681; PubMed 9536098.

NM_001211.6(BUB1B):c.2143+5G>A

Gene: BUB1B (BUB1 mitotic checkpoint serine/threonine kinase B; plus strand). Cytogenetic location: 15q15.1.
Variant type: single nucleotide variant.
Coding change: c.2143+5G>A on transcript NM_001211.6 (MANE Select); 5 bases into the intron after coding-DNA position 2143, G replaced by A.
Molecular consequence: intron variant.
Genome position (GRCh38, 1-based): chr15:40,208,775, G>A. VCF-style: chr15-40208775-G-A. GRCh37 (hg19) VCF-style: chr15-40500976-G-A.
Identifiers: ClinVar variation 1018769 (VCV001018769.8), dbSNP rs543227658, ClinGen allele CA7475959.